The following is an entry in ClinVar:

NM_014165.4(NDUFAF4):c.137-10C>T

Gene: NDUFAF4 (NADH:ubiquinone oxidoreductase complex assembly factor 4; minus strand). Cytogenetic location: 6q16.1.
Variant type: single nucleotide variant.
Coding change: c.137-10C>T on transcript NM_014165.4 (MANE Select); 10 bases into the intron before coding-DNA position 137, C replaced by T.
Molecular consequence: intron variant.
Genome position (GRCh38, 1-based): chr6:96,896,857, G>A on the plus strand (C>T on the coding strand, the complement: NDUFAF4 is on the minus strand). VCF-style: chr6-96896857-G-A. GRCh37 (hg19) VCF-style: chr6-97344733-G-A.
Other names: c.137-10C>T (NM_014165.3).
Identifiers: ClinVar variation 1565164 (VCV001565164.10), dbSNP rs369268980, ClinGen allele CA3931458.

ClinVar aggregate classification (germline): Likely benign. Review status: criteria provided, single submitter (1 of 4 stars). 2 submissions from 2 submitters: Likely benign (1). 1 of the submissions does not count toward it. Last evaluated 2025-02-24.

Conditions:
NDUFAF4-related disorder. Also called: NDUFAF4-related condition.

Allele frequency attached by ClinVar (database versions not stated): gnomAD exomes 0.00008 and 0.00020; gnomAD 0.00012 and 0.00013; TOPMed 0.00014; ExAC 0.00008; ESP Exome Variant Server 0.00008.
gnomAD v4.1: 303 of 1,591,118 alleles (0.019%); highest among the groups gnomAD compares: Non-Finnish European, 0.025%; no homozygotes.

Submissions (2):

Labcorp Genetics (formerly Invitae), Labcorp
Classification: Likely benign. Last evaluated: 2025-02-24. Review status: criteria provided, single submitter. Criteria: Invitae Variant Classification Sherloc (09022015). Collection method: clinical testing. Allele origin: germline.

PreventionGenetics, part of Exact Sciences
Classification: Likely benign for NDUFAF4-related condition. Last evaluated: 2019-03-18. Review status: no assertion criteria provided. Collection method: clinical testing. Allele origin: germline. Not counted in ClinVar's aggregate classification.
Comment: This variant is classified as likely benign based on ACMG/AMP sequence variant interpretation guidelines (Richards et al. 2015 PMID: 25741868, with internal and published modifications).